The following is an entry in ClinVar:

ClinVar aggregate classification (germline): Uncertain significance (1 of 4 stars; one submission).

Submission:

GeneDx
Classification: Uncertain significance. Last evaluated: 2024-04-02. Review status: criteria provided, single submitter. Criteria: GeneDx Variant Classification Process June 2021. Collection method: clinical testing. Allele origin: germline. Affected: yes.
Comment: Has not been previously published as pathogenic or benign to our knowledge; Not observed at significant frequency in large population cohorts (gnomAD); In silico analysis supports that this missense variant has a deleterious effect on protein structure/function

NM_002860.4(ALDH18A1):c.770T>G (p.Met257Arg)

Gene: ALDH18A1 (aldehyde dehydrogenase 18 family member A1; minus strand). Cytogenetic location: 10q24.1.
Variant type: single nucleotide variant.
Coding change: c.770T>G on transcript NM_002860.4 (MANE Select); coding-DNA position 770, T replaced by G.
Protein change: p.Met257Arg; replaces methionine 257 with arginine.
Molecular consequence: missense variant.
Genome position (GRCh38, 1-based): chr10:95,632,997, A>C on the plus strand (T>G on the coding strand, the complement: ALDH18A1 is on the minus strand). VCF-style: chr10-95632997-A-C. GRCh37 (hg19) VCF-style: chr10-97392754-A-C.
Other names: c.764T>G, p.Met255Arg (NM_001017423.2, NM_001323415.2); c.437T>G, p.Met146Arg (NM_001323412.2, NM_001323416.2); c.770T>G, p.Met257Arg (NM_001323413.2, NM_001323414.2); c.665T>G, p.Met222Arg (NM_001323417.2); c.431T>G, p.Met144Arg (NM_001323418.2); c.134T>G, p.Met45Arg (NM_001323419.2); short protein forms M144R, M146R, M222R, M255R, M257R, M45R.
Identifiers: ClinVar variation 3371879 (VCV003371879.1).